The following is an entry in ClinVar:

NM_014251.3(SLC25A13):c.1307G>A (p.Gly436Asp)

Gene: SLC25A13 (solute carrier family 25 member 13; minus strand). Cytogenetic location: 7q21.3.
Variant type: single nucleotide variant.
Coding change: c.1307G>A on transcript NM_014251.3 (MANE Select); coding-DNA position 1307, G replaced by A.
Protein change: p.Gly436Asp; replaces glycine 436 with aspartic acid.
Molecular consequence: missense variant. On other transcripts: non-coding transcript variant (1).
Genome position (GRCh38, 1-based): chr7:96,170,049, C>T on the plus strand (G>A on the coding strand, the complement: SLC25A13 is on the minus strand). VCF-style: chr7-96170049-C-T. GRCh37 (hg19) VCF-style: chr7-95799361-C-T.
Other names: c.1310G>A, p.Gly437Asp (NM_001160210.2); short protein forms G436D, G437D.
Identifiers: ClinVar variation 1959819 (VCV001959819.5), dbSNP rs1309471492, ClinGen allele CA368258404.
Genomic context (GRCh38, chr7:96,170,049, plus strand): 5'-GTGATATATATGTGAAACAAGTCTTTTCAATGAAGAGAGCTTCAAAAGGTACTTACGCAG[C>T]CTCCAGCAAGAATTTCTGCTGCAAGTGGGACCGAACCATCTTTGTGCATAAATTTATCCC-3'
Protein context (NP_055066.1, residues 426-446): VPLAAEILAG[Gly436Asp]CAGGSQVIFT

ClinVar aggregate classification (germline): Pathogenic (1 of 4 stars; one submission).

Conditions:
Citrin deficiency. Identifiers: MedGen C1997910, MONDO:0016602, Orphanet 247582.

Allele frequency attached by ClinVar (database versions not stated): gnomAD 0.00001; TOPMed 0.00001.

Submission:

Labcorp Genetics (formerly Invitae), Labcorp
Classification: Pathogenic for Citrin deficiency. Last evaluated: 2022-07-29. Review status: criteria provided, single submitter. Criteria: Invitae Variant Classification Sherloc (09022015). Collection method: clinical testing. Allele origin: germline.
Comment: For these reasons, this variant has been classified as Pathogenic. This variant disrupts the p.Gly436 amino acid residue in SLC25A13. Other variant(s) that disrupt this residue have been observed in individuals with SLC25A13-related conditions (PMID: 21914561), which suggests that this may be a clinically significant amino acid residue. Algorithms developed to predict the effect of missense changes on protein structure and function (SIFT, PolyPhen-2, Align-GVGD) all suggest that this variant is likely to be disruptive. This missense change has been observed in individual(s) with citrin deficiency (Invitae). In at least one individual the data is consistent with being in trans (on the opposite chromosome) from a pathogenic variant. It has also been observed to segregate with disease in related individuals. This variant is present in population databases (no rsID available, gnomAD 0.002%). This sequence change replaces glycine, which is neutral and non-polar, with aspartic acid, which is acidic and polar, at codon 436 of the SLC25A13 protein (p.Gly436Asp).

Literature cited by the submitters: PubMed 21914561.